The following is an entry in ClinVar:

NM_182961.4(SYNE1):c.600A>T (p.Val200=)

Gene: SYNE1 (spectrin repeat containing nuclear envelope protein 1; minus strand). Cytogenetic location: 6q25.2.
Variant type: single nucleotide variant.
Coding change: c.600A>T on transcript NM_182961.4 (MANE Select); coding-DNA position 600, A replaced by T.
Protein change: p.Val200=; no amino-acid change (valine 200 retained).
Molecular consequence: synonymous variant.
Genome position (GRCh38, 1-based): chr6:152,505,379, T>A on the plus strand (A>T on the coding strand, the complement: SYNE1 is on the minus strand). VCF-style: chr6-152505379-T-A. GRCh37 (hg19) VCF-style: chr6-152826514-T-A.
Other names: c.621A>T, p.Val207= (NM_033071.5).
Identifiers: ClinVar variation 810032 (VCV000810032.48), dbSNP rs781563259, ClinGen allele CA4059670.

ClinVar aggregate classification (germline): Conflicting classifications of pathogenicity. Review status: criteria provided, conflicting classifications (1 of 4 stars). 3 submissions from 3 submitters: Uncertain significance (1); Likely benign (2). Last evaluated 2023-05-15.

Conditions:
Autosomal recessive ataxia, Beauce type. Also called: SYNE1-Related Autosomal Recessive Cerebellar Ataxia; ATAXIA, RECESSIVE, OF BEAUCE; SYNE1 Deficiency; Spinocerebellar ataxia, autosomal recessive 8. Identifiers: Orphanet 88644, MedGen C1853116, MONDO:0012549, OMIM 610743.
Emery-Dreifuss muscular dystrophy 4, autosomal dominant (EDMD4). Also called: EMERY-DREIFUSS MUSCULAR DYSTROPHY 4 WITH VARIABLE FEATURES. Identifiers: Orphanet 261, MedGen C2751807, MONDO:0013071, OMIM 612998.

Allele frequency attached by ClinVar (database versions not stated): gnomAD exomes below 0.00001 and 0.00001; TOPMed below 0.00001; ExAC 0.00001; gnomAD 0.00001.
gnomAD v4.1: 4 of 1,613,894 alleles (0.00025%); highest among the groups gnomAD compares: Non-Finnish European, 0.00034%; no homozygotes.

Submissions (3):

Labcorp Genetics (formerly Invitae), Labcorp
Classification: Likely benign for Emery-Dreifuss muscular dystrophy 4, autosomal dominant; Autosomal recessive ataxia, Beauce type. Last evaluated: 2023-05-15. Review status: criteria provided, single submitter. Criteria: Invitae Variant Classification Sherloc (09022015). Collection method: clinical testing. Allele origin: germline.

CeGaT Center for Human Genetics Tuebingen
Classification: Likely benign. Last evaluated: 2022-05-01. Review status: criteria provided, single submitter. Criteria: CeGaT Center For Human Genetics Tuebingen Variant Classification Criteria Version 2. Collection method: clinical testing. Allele origin: germline. Affected: yes. Observed: 2 variant alleles.
Comment: SYNE1: BP4, BP7

GeneDx
Classification: Uncertain significance. Last evaluated: 2020-11-05. Review status: criteria provided, single submitter. Criteria: GeneDx Variant Classification Process June 2021. Collection method: clinical testing. Allele origin: germline. Affected: yes.
Comment: Not observed at a significant frequency in large population cohorts (Lek et al., 2016); In-silico analysis, which includes splice predictors and evolutionary conservation, is inconclusive as to whether the variant alters gene splicing. In the absence of RNA/functional studies, the actual effect of this sequence change is unknown.; Has not been previously published as pathogenic or benign to our knowledge